The following is an entry in ClinVar:

ClinVar aggregate classification (germline): Uncertain significance (1 of 4 stars; one submission).

Allele frequency attached by ClinVar (database versions not stated): gnomAD exomes below 0.00001 and 0.00001; TOPMed below 0.00001; ExAC 0.00001.
gnomAD v4.1: 11 of 1,614,196 alleles (0.00068%); highest among the groups gnomAD compares: Non-Finnish European, 0.00093%; no homozygotes.

Submission:

Labcorp Genetics (formerly Invitae), Labcorp
Classification: Uncertain significance. Last evaluated: 2022-03-22. Review status: criteria provided, single submitter. Criteria: Invitae Variant Classification Sherloc (09022015). Collection method: clinical testing. Allele origin: germline.
Comment: This sequence change replaces arginine, which is basic and polar, with serine, which is neutral and polar, at codon 464 of the PCDH12 protein (p.Arg464Ser). This variant is present in population databases (rs759589459, gnomAD 0.0009%). This variant has not been reported in the literature in individuals affected with PCDH12-related conditions. Advanced modeling of protein sequence and biophysical properties (such as structural, functional, and spatial information, amino acid conservation, physicochemical variation, residue mobility, and thermodynamic stability) performed at Invitae indicates that this missense variant is not expected to disrupt PCDH12 protein function. In summary, the available evidence is currently insufficient to determine the role of this variant in disease. Therefore, it has been classified as a Variant of Uncertain Significance.

NM_016580.4(PCDH12):c.1392G>T (p.Arg464Ser)

Genes: PCDH12 (protocadherin 12; minus strand), RNF14 (ring finger protein 14; plus strand). Cytogenetic location: 5q31.3.
Variant type: single nucleotide variant.
Coding change: c.1392G>T on transcript NM_016580.4 (MANE Select); coding-DNA position 1392, G replaced by T.
Protein change: p.Arg464Ser; replaces arginine 464 with serine.
Molecular consequence: missense variant.
Genome position (GRCh38, 1-based): chr5:141,956,460, C>A on the plus strand (G>T on the coding strand, the complement: PCDH12 is on the minus strand). VCF-style: chr5-141956460-C-A. GRCh37 (hg19) VCF-style: chr5-141336025-C-A.
Other names: short protein forms R464S.
Identifiers: ClinVar variation 1477687 (VCV001477687.3), dbSNP rs759589459, ClinGen allele CA3484411.
Genomic context (GRCh38, chr5:141,956,460, plus strand): 5'-AGCCTTGATGGTAATGAGGTGAAGAGAGGGTAAGTTGTTTTCCCGCGTGGAGACTTCATA[C>A]CTGCTTTTCTCAAACACAGGTGCATTGTCGTTGATGTCACTGATCTGAATGCTGAGCTGT-3'
Protein context (NP_057664.1, residues 454-474): NDNAPVFEKS[Arg464Ser]YEVSTRENNL